The following is an entry in ClinVar:

ClinVar aggregate classification (germline): Uncertain significance. Review status: criteria provided, single submitter (1 of 4 stars). 2 submissions from 2 submitters: Uncertain significance (1). 1 of the submissions does not count toward it. Last evaluated 2025-08-01.

Conditions:
SMARCC1-related disorder. Also called: SMARCC1-related condition.
Inborn genetic diseases. Identifiers: MedGen C0950123, MeSH D030342.

Allele frequency attached by ClinVar (database versions not stated): ExAC 0.00001; TOPMed 0.00001; gnomAD 0.00003; gnomAD exomes 0.00003.
gnomAD v4.1: 45 of 1,612,652 alleles (0.0028%); highest among the groups gnomAD compares: East Asian, 0.0067%; no homozygotes.

Submissions (2):

Ambry Genetics
Classification: Uncertain significance for Inborn genetic diseases. Last evaluated: 2025-08-01. Review status: criteria provided, single submitter. Criteria: Ambry Variant Classification Scheme 2023. Collection method: clinical testing. Allele origin: germline.

PreventionGenetics, part of Exact Sciences
Classification: Uncertain significance for SMARCC1-related condition. Last evaluated: 2024-04-24. Review status: no assertion criteria provided. Collection method: clinical testing. Allele origin: germline. Not counted in ClinVar's aggregate classification.
Comment: The SMARCC1 c.2533T>C variant is predicted to result in the amino acid substitution p.Cys845Arg. To our knowledge, this variant has not been reported in the literature. This variant is reported in 0.0044% of alleles in individuals of European (Non-Finnish) descent in gnomAD. At this time, the clinical significance of this variant is uncertain due to the absence of conclusive functional and genetic evidence.

NM_003074.4(SMARCC1):c.2533T>C (p.Cys845Arg)

Gene: SMARCC1 (SWI/SNF related BAF chromatin remodeling complex subunit C1; minus strand). Cytogenetic location: 3p21.31.
Variant type: single nucleotide variant.
Coding change: c.2533T>C on transcript NM_003074.4 (MANE Select); coding-DNA position 2533, T replaced by C.
Protein change: p.Cys845Arg; replaces cysteine 845 with arginine.
Molecular consequence: missense variant.
Genome position (GRCh38, 1-based): chr3:47,635,303, A>G on the plus strand (T>C on the coding strand, the complement: SMARCC1 is on the minus strand). VCF-style: chr3-47635303-A-G. GRCh37 (hg19) VCF-style: chr3-47676793-A-G.
Other names: short protein forms C845R.
Identifiers: ClinVar variation 2295256 (VCV002295256.4), dbSNP rs751400015, ClinGen allele CA2368820.